The following is an entry in ClinVar:

ClinVar aggregate classification (germline): Uncertain significance (1 of 4 stars; one submission).

Allele frequency attached by ClinVar (database versions not stated): gnomAD exomes below 0.00001.
gnomAD v4.1: 1 of 1,613,550 alleles (0.000062%); highest among the groups gnomAD compares: Non-Finnish European, 0.000085%; no homozygotes.

Submission:

Labcorp Genetics (formerly Invitae), Labcorp
Classification: Uncertain significance. Last evaluated: 2021-11-06. Review status: criteria provided, single submitter. Criteria: Invitae Variant Classification Sherloc (09022015). Collection method: clinical testing. Allele origin: germline.
Comment: This variant is not present in population databases (gnomAD no frequency). This variant has not been reported in the literature in individuals affected with MTOR-related conditions. Advanced modeling of protein sequence and biophysical properties (such as structural, functional, and spatial information, amino acid conservation, physicochemical variation, residue mobility, and thermodynamic stability) performed at Invitae indicates that this missense variant is not expected to disrupt MTOR protein function. In summary, the available evidence is currently insufficient to determine the role of this variant in disease. Therefore, it has been classified as a Variant of Uncertain Significance. This sequence change replaces proline, which is neutral and non-polar, with serine, which is neutral and polar, at codon 1860 of the MTOR protein (p.Pro1860Ser).

NM_004958.4(MTOR):c.5578C>T (p.Pro1860Ser)

Gene: MTOR (mechanistic target of rapamycin kinase; minus strand). Cytogenetic location: 1p36.22.
Variant type: single nucleotide variant.
Coding change: c.5578C>T on transcript NM_004958.4 (MANE Select); coding-DNA position 5578, C replaced by T.
Protein change: p.Pro1860Ser; replaces proline 1860 with serine.
Molecular consequence: missense variant.
Genome position (GRCh38, 1-based): chr1:11,130,564, G>A on the plus strand (C>T on the coding strand, the complement: MTOR is on the minus strand). VCF-style: chr1-11130564-G-A. GRCh37 (hg19) VCF-style: chr1-11190621-G-A.
Other names: c.5578C>T, p.Pro1860Ser (NM_001386500.1); c.4330C>T, p.Pro1444Ser (NM_001386501.1); short protein forms P1860S, P1444S.
Identifiers: ClinVar variation 1391869 (VCV001391869.6), dbSNP rs2100430057, ClinGen allele CA338398177.
Genomic context (GRCh38, chr1:11,130,564, plus strand): 5'-TTAATAAGGAAGAAGGGAAGGGTACCTCAGTGACCTTCTTCTGCAGCGGCGATGGGGTGG[G>A]GCTGTTCTCGGTGCTCTCGGCCTCGCTCTCACTGTTGCTGCCCTCGGTGCTGGCAGTGGT-3'
Protein context (NP_004949.1, residues 1850-1870): ESEAESTENS[Pro1860Ser]TPSPLQKKVT